The following is an entry in ClinVar:

NM_006922.4(SCN3A):c.2996A>G (p.Asn999Ser)

Gene: SCN3A (sodium voltage-gated channel alpha subunit 3; minus strand). Cytogenetic location: 2q24.3.
Variant type: single nucleotide variant.
Coding change: c.2996A>G on transcript NM_006922.4 (MANE Select); coding-DNA position 2996, A replaced by G.
Protein change: p.Asn999Ser; replaces asparagine 999 with serine.
Molecular consequence: missense variant.
Genome position (GRCh38, 1-based): chr2:165,128,028, T>C on the plus strand (A>G on the coding strand, the complement: SCN3A is on the minus strand). VCF-style: chr2-165128028-T-C. GRCh37 (hg19) VCF-style: chr2-165984538-T-C.
Other names: c.2849A>G, p.Asn950Ser (NM_001081676.2, NM_001081677.2); short protein forms N950S, N999S.
Identifiers: ClinVar variation 1309933 (VCV001309933.5), dbSNP rs2105763978, ClinGen allele CA349041510.

ClinVar aggregate classification (germline): Conflicting classifications of pathogenicity. Review status: criteria provided, conflicting classifications (1 of 4 stars). 2 submissions from 2 submitters: Likely pathogenic (1); Uncertain significance (1). Last evaluated 2025-09-17.

Submissions (2):

GeneDx
Classification: Likely pathogenic. Last evaluated: 2025-09-17. Review status: criteria provided, single submitter. Criteria: GeneDx Variant Classification Process June 2021. Collection method: clinical testing. Allele origin: germline. Affected: yes.
Comment: Not observed at significant frequency in large population cohorts (gnomAD); In silico analysis suggests that this missense variant does not alter protein structure/function; Has not been previously published as pathogenic or benign to our knowledge

Labcorp Genetics (formerly Invitae), Labcorp
Classification: Uncertain significance. Last evaluated: 2024-07-06. Review status: criteria provided, single submitter. Criteria: Invitae Variant Classification Sherloc (09022015). Collection method: clinical testing. Allele origin: germline.
Comment: This sequence change replaces asparagine, which is neutral and polar, with serine, which is neutral and polar, at codon 999 of the SCN3A protein (p.Asn999Ser). This variant is not present in population databases (gnomAD no frequency). This variant has not been reported in the literature in individuals affected with SCN3A-related conditions. ClinVar contains an entry for this variant (Variation ID: 1309933). Advanced modeling of protein sequence and biophysical properties (such as structural, functional, and spatial information, amino acid conservation, physicochemical variation, residue mobility, and thermodynamic stability) performed at Invitae indicates that this missense variant is not expected to disrupt SCN3A protein function with a negative predictive value of 95%. In summary, the available evidence is currently insufficient to determine the role of this variant in disease. Therefore, it has been classified as a Variant of Uncertain Significance.